The following is an entry in ClinVar:

ClinVar aggregate classification (germline): Uncertain significance (1 of 4 stars; one submission).

Conditions:
Hereditary breast ovarian cancer syndrome. Also called: BRCA1- and BRCA2-Associated Hereditary Breast and Ovarian Cancer; Hereditary breast and ovarian cancer syndrome (HBOC); Hereditary breast and/or ovarian cancer syndrome; Hereditary breast and ovarian cancer syndrome; Hereditary breast and ovarian cancer; Breast and ovarian cancer. Identifiers: Orphanet 145, MedGen C0677776, MeSH D061325, MONDO:0003582. Disease mechanism: loss of function.

Submission:

Labcorp Genetics (formerly Invitae), Labcorp
Classification: Uncertain significance for Hereditary breast ovarian cancer syndrome. Last evaluated: 2022-07-21. Review status: criteria provided, single submitter. Criteria: Invitae Variant Classification Sherloc (09022015). Collection method: clinical testing. Allele origin: germline.
Comment: This variant has not been reported in the literature in individuals affected with BRCA2-related conditions. This variant is not present in population databases (gnomAD no frequency). This sequence change replaces glutamic acid, which is acidic and polar, with glutamine, which is neutral and polar, at codon 2650 of the BRCA2 protein (p.Glu2650Gln). In summary, the available evidence is currently insufficient to determine the role of this variant in disease. Therefore, it has been classified as a Variant of Uncertain Significance. Advanced modeling of protein sequence and biophysical properties (such as structural, functional, and spatial information, amino acid conservation, physicochemical variation, residue mobility, and thermodynamic stability) performed at Invitae indicates that this missense variant is expected to disrupt BRCA2 protein function.

NM_000059.4(BRCA2):c.7948G>C (p.Glu2650Gln)

Gene: BRCA2 (BRCA2 DNA repair associated; plus strand). Cytogenetic location: 13q13.1.
Variant type: single nucleotide variant.
Coding change: c.7948G>C on transcript NM_000059.4 (MANE Select); coding-DNA position 7948, G replaced by C.
Protein change: p.Glu2650Gln; replaces glutamic acid 2650 with glutamine.
Molecular consequence: missense variant.
Genome position (GRCh38, 1-based): chr13:32,362,665, G>C. VCF-style: chr13-32362665-G-C. GRCh37 (hg19) VCF-style: chr13-32936802-G-C.
Other names: c.7852G>C, p.Glu2618Gln (NM_001406719.1); c.7948G>C, p.Glu2650Gln (NM_001406720.1); c.3016G>C, p.Glu1006Gln (NM_001406721.1); c.1531G>C, p.Glu511Gln (NM_001406722.1); short protein forms E1006Q, E2618Q, E2650Q, E511Q.
Identifiers: ClinVar variation 1721712 (VCV001721712.6), dbSNP rs2072748397, ClinGen allele CA387747238.